The following is an entry in ClinVar:

NM_016335.6(PRODH):c.323del (p.Leu108fs)

Gene: PRODH (proline dehydrogenase 1; minus strand). Cytogenetic location: 22q11.21.
Variant type: Deletion.
Coding change: c.323del on transcript NM_016335.6 (MANE Select); coding-DNA position 323, one base deleted (T; older notation c.323delT).
Protein change: p.Leu108fs; shifts the reading frame from leucine 108.
Molecular consequence: frameshift variant. On other transcripts: 5 prime UTR variant (2).
Genome position (GRCh38, 1-based): chr22:18,931,149, A deleted on the plus strand (T on the coding strand, the reverse complement: PRODH is on the minus strand). VCF-style (leftmost placement, unchanged base first): chr22-18931148-GA-G. GRCh37 (hg19) VCF-style: chr22-18918661-GA-G.
Other names: c.-2del (NM_001195226.2, NM_001368250.2); short protein forms L108fs.
Identifiers: ClinVar variation 2021179 (VCV002021179.4), dbSNP rs2517460527, ClinGen allele CA2580099082.

ClinVar aggregate classification (germline): Pathogenic (1 of 4 stars; one submission).

Conditions:
Proline dehydrogenase deficiency (HYRPRO1). Also called: PROLINE OXIDASE DEFICIENCY; Hyperprolinemia type 1. Identifiers: Orphanet 419, MedGen C0268529, MONDO:0009400, OMIM 239500.

Submission:

Labcorp Genetics (formerly Invitae), Labcorp
Classification: Pathogenic for Proline dehydrogenase deficiency. Last evaluated: 2022-09-27. Review status: criteria provided, single submitter. Criteria: Invitae Variant Classification Sherloc (09022015). Collection method: clinical testing. Allele origin: germline.
Comment: This sequence change creates a premature translational stop signal (p.Leu108Profs*2) in the PRODH gene. It is expected to result in an absent or disrupted protein product. Loss-of-function variants in PRODH are known to be pathogenic (PMID: 12525555, 15662599, 19736351). This variant is not present in population databases (gnomAD no frequency). This variant has not been reported in the literature in individuals affected with PRODH-related conditions. For these reasons, this variant has been classified as Pathogenic.

Literature cited by the submitters: PubMed 12525555; PubMed 15662599; PubMed 19736351.